The following is an entry in ClinVar:

ClinVar aggregate classification (germline): Likely benign (0 of 4 stars; one submission).

Conditions:
DUSP22-related disorder. Also called: DUSP22-related condition.

gnomAD v4.1: 60 of 1,609,774 alleles (0.0037%); highest among the groups gnomAD compares: Middle Eastern, 0.016%; no homozygotes.

Submission:

PreventionGenetics, part of Exact Sciences
Classification: Likely benign for DUSP22-related condition. Last evaluated: 2019-08-10. Review status: no assertion criteria provided. Collection method: clinical testing. Allele origin: germline.
Comment: This variant is classified as likely benign based on ACMG/AMP sequence variant interpretation guidelines (Richards et al. 2015 PMID: 25741868, with internal and published modifications).

NM_001286555.3(DUSP22):c.594C>T (p.Tyr198=)

Gene: DUSP22 (dual specificity phosphatase 22; plus strand). Cytogenetic location: 6p25.3.
Variant type: single nucleotide variant.
Coding change: c.594C>T on transcript NM_001286555.3 (MANE Select); coding-DNA position 594, C replaced by T.
Protein change: p.Tyr198=; no amino-acid change (tyrosine 198 retained).
Molecular consequence: synonymous variant. On other transcripts: non-coding transcript variant (3), intron variant (1).
Genome position (GRCh38, 1-based): chr6:348,927, C>T. VCF-style: chr6-348927-C-T. GRCh37 (hg19) VCF-style: chr6-348927-C-T.
Other names: c.508+86C>T (NM_020185.6).
Identifiers: ClinVar variation 3034895 (VCV003034895.2), dbSNP rs780293262, ClinGen allele CA3612502.
Genomic context (GRCh38, chr6:348,927, plus strand): 5'-AGAGCCCCAGCCCGGCGCCAGGCGGTGGAGCAGTTTTCCGGCACTGGCTCCGCTGACCTA[C>T]GATAATTATACGACGGAGACCTAACGCAAGCGACCTGCTGCCTTCCTTCCCACTGCTTGT-3'
Protein context (NP_001273484.1, residues 188-205): SSFPALAPLT[Tyr198=]DNYTTET